The following is an entry in ClinVar:

ClinVar aggregate classification (germline): Likely benign (1 of 4 stars; one submission).

Submission:

Mayo Clinic Laboratories, Mayo Clinic
Classification: Likely benign. Last evaluated: 2025-02-05. Review status: criteria provided, single submitter. Criteria: ACMG Guidelines, 2015. Collection method: clinical testing. Allele origin: germline. Observed: 1 variant allele.
Comment: BP4, BP7

NM_001371279.1(REEP1):c.522G>A (p.Gly174=)

Gene: REEP1 (receptor accessory protein 1; minus strand). Cytogenetic location: 2p11.2.
Variant type: single nucleotide variant.
Coding change: c.522G>A on transcript NM_001371279.1 (MANE Select); coding-DNA position 522, G replaced by A.
Protein change: p.Gly174=; no amino-acid change (glycine 174 retained).
Molecular consequence: synonymous variant. On other transcripts: missense variant (1), intron variant (1).
Genome position (GRCh38, 1-based): chr2:86,232,698, C>T on the plus strand (G>A on the coding strand, the complement: REEP1 is on the minus strand). VCF-style: chr2-86232698-C-T. GRCh37 (hg19) VCF-style: chr2-86459821-C-T.
Other names: p.Gly174=; c.543G>A, p.Gly181= (NM_001164730.2); c.441G>A, p.Gly147= (NM_001164731.2); c.287G>A, p.Gly96Asp (NM_001164732.2); c.522G>A, p.Gly174= (NM_001410855.1, NM_001410856.1, NM_022912.3); c.418-15588G>A (NM_001371280.1); short protein forms G96D.
Identifiers: ClinVar variation 4684584 (VCV004684584.1).